The following is an entry in ClinVar:

ClinVar aggregate classification (germline): Uncertain significance (1 of 4 stars; one submission).

Conditions:
Inborn genetic diseases. Identifiers: MedGen C0950123, MeSH D030342.

gnomAD v4.1: 6 of 1,613,488 alleles (0.00037%); highest among the groups gnomAD compares: Non-Finnish European, 0.00042%; no homozygotes.

Submission:

Ambry Genetics
Classification: Uncertain significance for Inborn genetic diseases. Last evaluated: 2026-02-24. Review status: criteria provided, single submitter. Criteria: Ambry Variant Classification Scheme 2023. Collection method: clinical testing. Allele origin: germline.
Comment: The c.281C>T (p.P94L) alteration is located in exon 6 (coding exon 5) of the GNB2 gene. This alteration results from a C to T substitution at nucleotide position 281, causing the proline (P) at amino acid position 94 to be replaced by a leucine (L). Based on data from gnomAD, the T allele has an overall frequency of <0.001% (0/250226) total alleles studied. The highest observed frequency was <0.001% (/) of alleles. Based on insufficient or conflicting evidence, the clinical significance of this alteration remains unclear.

NM_005273.4(GNB2):c.281C>T (p.Pro94Leu)

Gene: GNB2 (G protein subunit beta 2; plus strand). Cytogenetic location: 7q22.1.
Variant type: single nucleotide variant.
Coding change: c.281C>T on transcript NM_005273.4 (MANE Select); coding-DNA position 281, C replaced by T.
Protein change: p.Pro94Leu; replaces proline 94 with leucine.
Molecular consequence: missense variant.
Genome position (GRCh38, 1-based): chr7:100,677,511, C>T. VCF-style: chr7-100677511-C-T. GRCh37 (hg19) VCF-style: chr7-100275134-C-T.
Other names: short protein forms P94L.
Identifiers: ClinVar variation 4840395 (VCV004840395.1).
Genomic context (GRCh38, chr7:100,677,511, plus strand): 5'-ACAGGGCCCTGGCTGGCTCTGACCCCGGCGCTTCCCCTGCTCCGCAGGTCCACGCCATCC[C>T]GCTGCGCTCCTCCTGGGTAATGACCTGTGCCTACGCGCCCTCAGGGAACTTTGTGGCCTG-3'
Protein context (NP_005264.2, residues 84-104): SYTTNKVHAI[Pro94Leu]LRSSWVMTCA